The following is an entry in ClinVar:

NM_004168.4(SDHA):c.1585G>C (p.Gly529Arg)

Gene: SDHA (succinate dehydrogenase complex flavoprotein subunit A; plus strand). Cytogenetic location: 5p15.33.
Variant type: single nucleotide variant.
Coding change: c.1585G>C on transcript NM_004168.4 (MANE Select); coding-DNA position 1585, G replaced by C.
Protein change: p.Gly529Arg; replaces glycine 529 with arginine.
Molecular consequence: missense variant. On other transcripts: intron variant (1).
Genome position (GRCh38, 1-based): chr5:251,025, G>C. VCF-style: chr5-251025-G-C. GRCh37 (hg19) VCF-style: chr5-251140-G-C.
Other names: c.1441G>C, p.Gly481Arg (NM_001294332.2); c.1552-3368G>C (NM_001330758.2); short protein forms G529R, G481R.
Identifiers: ClinVar variation 412331 (VCV000412331.17), dbSNP rs370291114, ClinGen allele CA3173302.

ClinVar aggregate classification (germline): Uncertain significance. Review status: criteria provided, multiple submitters, no conflicts (2 of 4 stars). 6 submissions from 6 submitters: Uncertain significance (6). Last evaluated 2026-10-01.

Conditions:
Pheochromocytoma/paraganglioma syndrome 5. Also called: Paragangliomas 5; SDHA-Related Hereditary Paraganglioma-Pheochromocytoma Syndrome. Identifiers: Orphanet 29072, MedGen C3279992, MONDO:0013602, OMIM 614165.
Mitochondrial complex II deficiency, nuclear type 1. Also called: SUCCINATE CoQ REDUCTASE DEFICIENCY. Identifiers: Orphanet 3208, MedGen C5700310, MONDO:0100294, OMIM 252011.
Dilated cardiomyopathy 1GG (CMD1GG). Identifiers: Orphanet 154, MedGen C3150898, MONDO:0013339, OMIM 613642.
Hereditary cancer-predisposing syndrome. Also called: Hereditary neoplastic syndrome; Neoplastic Syndromes, Hereditary; Hereditary Cancer Syndrome; Tumor predisposition. Identifiers: Orphanet 140162, MedGen C0027672, MeSH D009386, MONDO:0015356.

Allele frequency attached by ClinVar (database versions not stated): gnomAD exomes below 0.00001 and 0.00002; ExAC 0.00002; gnomAD 0.00004 and 0.00005; TOPMed 0.00005; ESP Exome Variant Server 0.00008; 1000 Genomes Project 30x 0.00031; 1000 Genomes Project 0.00040.
gnomAD v4.1: 12 of 1,612,026 alleles (0.00074%); highest among the groups gnomAD compares: African/African-American, 0.013%; no homozygotes.

Submissions (6):

St. Jude Molecular Pathology, St. Jude Children's Research Hospital
Classification: Uncertain significance for Pheochromocytoma/paraganglioma syndrome 5. Last evaluated: 2026-10-01. Review status: criteria provided, single submitter. Criteria: St. Jude Assertion Criteria 2020. Collection method: clinical testing. Allele origin: germline.
Comment: The SDHA c.1585G>C p.(Gly529Arg) missense change has a maximum subpopulation frequency of 0.02% in gnomAD v2.1.1. The in silico tool REVEL predicts a deleterious effect on protein function, but to our knowledge this prediction has not been confirmed by functional studies. To our knowledge, this variant has not been reported in indi viduals with SDHA-associated tumors. In summary, the evidence currently available is insufficient to determine the clinical significance of this variant. It has therefore been classified as of uncertain significance.

Labcorp Genetics (formerly Invitae), Labcorp
Classification: Uncertain significance for Pheochromocytoma/paraganglioma syndrome 5; Mitochondrial complex II deficiency, nuclear type 1. Last evaluated: 2025-01-19. Review status: criteria provided, single submitter. Criteria: Invitae Variant Classification Sherloc (09022015). Collection method: clinical testing. Allele origin: germline.
Comment: This sequence change replaces glycine, which is neutral and non-polar, with arginine, which is basic and polar, at codon 529 of the SDHA protein (p.Gly529Arg). This variant is present in population databases (rs370291114, gnomAD 0.03%). This variant has not been reported in the literature in individuals affected with SDHA-related conditions. ClinVar contains an entry for this variant (Variation ID: 412331). Invitae Evidence Modeling of protein sequence and biophysical properties (such as structural, functional, and spatial information, amino acid conservation, physicochemical variation, residue mobility, and thermodynamic stability) indicates that this missense variant is not expected to disrupt SDHA protein function with a negative predictive value of 95%. In summary, the available evidence is currently insufficient to determine the role of this variant in disease. Therefore, it has been classified as a Variant of Uncertain Significance.

Women's Health and Genetics/Laboratory Corporation of America, LabCorp
Classification: Uncertain significance. Last evaluated: 2024-04-18. Review status: criteria provided, single submitter. Criteria: LabCorp Variant Classification Summary - May 2015. Collection method: clinical testing. Allele origin: germline.
Comment: Variant summary: SDHA c.1585G>C (p.Gly529Arg) results in a non-conservative amino acid change located in the Fumarate reductase/succinate dehydrogenase flavoprotein-like, C-terminal domain (IPR015939) of the encoded protein sequence. Four of five in-silico tools predict a damaging effect of the variant on protein function. The variant allele was found at a frequency of 2e-05 in 251142 control chromosomes. The available data on variant occurrences in the general population are insufficient to allow any conclusion about variant significance. To our knowledge, no occurrence of c.1585G>C in individuals affected with Neurodegeneration With Ataxia And Late-Onset Optic Atrophy and no experimental evidence demonstrating its impact on protein function have been reported. ClinVar contains an entry for this variant (Variation ID: 412331). Based on the evidence outlined above, the variant was classified as uncertain significance.

Quest Diagnostics Nichols Institute San Juan Capistrano
Classification: Uncertain significance. Last evaluated: 2024-03-22. Review status: criteria provided, single submitter. Criteria: Quest Diagnostics criteria. Collection method: clinical testing. Allele origin: unknown.
Comment: The SDHA c.1585G>C (p.Gly529Arg) variant has not been reported in individuals with SDHA-related conditions in the published literature. The frequency of this variant in the general population, 0.00025 (4/16256 chromosomes in African/African American subpopulation (Genome Aggregation Database)), is higher than would generally be expected for pathogenic variants in this gene. Analysis of this variant using bioinformatics tools for the prediction of the effect of amino acid changes on protein structure and function yielded predictions that this variant is damaging. Based on the available information, we are unable to determine the clinical significance of this variant.

Ambry Genetics
Classification: Uncertain significance for Hereditary cancer-predisposing syndrome. Last evaluated: 2024-01-17. Review status: criteria provided, single submitter. Criteria: Ambry Variant Classification Scheme 2023. Collection method: clinical testing. Allele origin: germline.
Comment: The p.G529R variant (also known as c.1585G>C), located in coding exon 12 of the SDHA gene, results from a G to C substitution at nucleotide position 1585. The glycine at codon 529 is replaced by arginine, an amino acid with dissimilar properties. This amino acid position is highly conserved in available vertebrate species. In addition, the in silico prediction for this alteration is inconclusive. Based on the available evidence, the clinical significance of this alteration remains unclear.

Baylor Genetics
Classification: Uncertain significance for Dilated cardiomyopathy 1GG. Last evaluated: 2023-08-21. Review status: criteria provided, single submitter. Criteria: ACMG Guidelines, 2015. Collection method: clinical testing. Allele origin: unknown.